The following is an entry in ClinVar:

NM_000553.6(WRN):c.3724C>A (p.Gln1242Lys)

Gene: WRN (WRN RecQ like helicase; plus strand). Cytogenetic location: 8p12.
Variant type: single nucleotide variant.
Coding change: c.3724C>A on transcript NM_000553.6 (MANE Select); coding-DNA position 3724, C replaced by A.
Protein change: p.Gln1242Lys; replaces glutamine 1242 with lysine.
Molecular consequence: missense variant.
Genome position (GRCh38, 1-based): chr8:31,154,660, C>A. VCF-style: chr8-31154660-C-A. GRCh37 (hg19) VCF-style: chr8-31012176-C-A.
Other names: short protein forms Q1242K.
Identifiers: ClinVar variation 458467 (VCV000458467.5), dbSNP rs762379051, ClinGen allele CA174911397.

ClinVar aggregate classification (germline): Uncertain significance (1 of 4 stars; one submission).

Conditions:
Werner syndrome (WRN). Identifiers: Orphanet 902, MedGen C0043119, MONDO:0010196, OMIM 277700.

Submission:

Labcorp Genetics (formerly Invitae), Labcorp
Classification: Uncertain significance for Werner syndrome. Last evaluated: 2025-08-11. Review status: criteria provided, single submitter. Criteria: Invitae Variant Classification Sherloc (09022015). Collection method: clinical testing. Allele origin: germline.
Comment: This sequence change replaces glutamine, which is neutral and polar, with lysine, which is basic and polar, at codon 1242 of the WRN protein (p.Gln1242Lys). This variant is not present in population databases (gnomAD no frequency). This variant has not been reported in the literature in individuals affected with WRN-related conditions. ClinVar contains an entry for this variant (Variation ID: 458467). An algorithm developed to predict the effect of missense changes on protein structure and function outputs the following: PolyPhen-2: "Benign". The lysine amino acid residue is found in multiple mammalian species, which suggests that this missense change does not adversely affect protein function. In summary, the available evidence is currently insufficient to determine the role of this variant in disease. Therefore, it has been classified as a Variant of Uncertain Significance.